The following is an entry in ClinVar:

NM_001204.7(BMPR2):c.172A>G (p.Ile58Val)

Gene: BMPR2 (bone morphogenetic protein receptor type 2; plus strand). Cytogenetic location: 2q33.1.
Variant type: single nucleotide variant.
Coding change: c.172A>G on transcript NM_001204.7 (MANE Select); coding-DNA position 172, A replaced by G.
Protein change: p.Ile58Val; replaces isoleucine 58 with valine.
Molecular consequence: missense variant.
Genome position (GRCh38, 1-based): chr2:202,464,904, A>G. VCF-style: chr2-202464904-A-G. GRCh37 (hg19) VCF-style: chr2-203329627-A-G.
Other names: short protein forms I58V.
Identifiers: ClinVar variation 3585256 (VCV003585256.2).

ClinVar aggregate classification (germline): Uncertain significance. Review status: criteria provided, multiple submitters, no conflicts (2 of 4 stars). 2 submissions from 2 submitters: Uncertain significance (2). Last evaluated 2025-01-03.

Conditions:
Pulmonary hypertension, primary, 1 (PPH1). Also called: Pulmonary hypertension, familial primary, 1, with or without HHT. Identifiers: Orphanet 422, MedGen C4552070, MONDO:0024533, OMIM 178600.
Pulmonary venoocclusive disease 1 (PVOD1). Also called: Pulmonary venoocclusive disease 1, autosomal dominant. Identifiers: Orphanet 31837, MedGen C3887658, MONDO:0020713, OMIM 265450.
Inborn genetic diseases. Identifiers: MedGen C0950123, MeSH D030342.

Submissions (2):

Ambry Genetics
Classification: Uncertain significance for Inborn genetic diseases. Last evaluated: 2025-01-03. Review status: criteria provided, single submitter. Criteria: Ambry Variant Classification Scheme 2023. Collection method: clinical testing. Allele origin: germline.
Comment: The p.I58V variant (also known as c.172A>G), located in coding exon 2 of the BMPR2 gene, results from an A to G substitution at nucleotide position 172. The isoleucine at codon 58 is replaced by valine, an amino acid with highly similar properties. This amino acid position is conserved. In addition, this alteration is predicted to be tolerated by in silico analysis. Based on the available evidence, the clinical significance of this variant remains unclear.

Fulgent Genetics
Classification: Uncertain significance for Pulmonary hypertension, primary, 1; Pulmonary venoocclusive disease 1. Last evaluated: 2024-03-20. Review status: criteria provided, single submitter. Criteria: ACMG Guidelines, 2015. Collection method: clinical testing. Allele origin: germline.